The following is an entry in ClinVar:

NM_000486.6(AQP2):c.559C>G (p.Arg187Gly)

Genes: AQP2 (aquaporin 2; plus strand), AQP5-AS1 (AQP5 and AQP2 antisense RNA 2; minus strand). Cytogenetic location: 12q13.12.
Variant type: single nucleotide variant.
Coding change: c.559C>G on transcript NM_000486.6 (MANE Select); coding-DNA position 559, C replaced by G.
Protein change: p.Arg187Gly; replaces arginine 187 with glycine.
Molecular consequence: missense variant.
Genome position (GRCh38, 1-based): chr12:49,954,663, C>G. VCF-style: chr12-49954663-C-G. GRCh37 (hg19) VCF-style: chr12-50348446-C-G.
Other names: short protein forms R187G.
Identifiers: ClinVar variation 1481897 (VCV001481897.6), dbSNP rs104894328, ClinGen allele CA384774611.

ClinVar aggregate classification (germline): Likely pathogenic (1 of 4 stars; one submission).

gnomAD v4.1: 1 of 1,614,208 alleles (0.000062%); highest among the groups gnomAD compares: Non-Finnish European, 0.000085%; no homozygotes.

Submission:

Labcorp Genetics (formerly Invitae), Labcorp
Classification: Likely pathogenic. Last evaluated: 2021-09-25. Review status: criteria provided, single submitter. Criteria: Invitae Variant Classification Sherloc (09022015). Collection method: clinical testing. Allele origin: germline.
Comment: This variant has not been reported in the literature in individuals affected with AQP2-related conditions. This variant is not present in population databases (ExAC no frequency). This sequence change replaces arginine with glycine at codon 187 of the AQP2 protein (p.Arg187Gly). The arginine residue is highly conserved and there is a moderate physicochemical difference between arginine and glycine. Advanced modeling of protein sequence and biophysical properties (such as structural, functional, and spatial information, amino acid conservation, physicochemical variation, residue mobility, and thermodynamic stability) performed at Invitae indicates that this missense variant is expected to disrupt AQP2 protein function. In summary, the currently available evidence indicates that the variant is pathogenic, but additional data are needed to prove that conclusively. Therefore, this variant has been classified as Likely Pathogenic. This variant disrupts the p.Arg187 amino acid residue in AQP2. Other variant(s) that disrupt this residue have been determined to be pathogenic (PMID: 7524315, 9593782, 10228154, 20403973). This suggests that this residue is clinically significant, and that variants that disrupt this residue are likely to be disease-causing.

Literature cited by the submitters: PubMed 7524315; PubMed 9593782; PubMed 10228154; PubMed 20403973.